The following continues an entry in ClinVar:

NM_020975.6(RET):c.1998G>C (p.Lys666Asn)

Gene: RET. ClinVar aggregate classification (germline): Pathogenic/Likely pathogenic. Pathogenic (11); Likely pathogenic (7).

Submissions 5 to 15 of 18:

Quest Diagnostics Nichols Institute San Juan Capistrano
Classification: Pathogenic. Last evaluated: 2025-03-11. Review status: criteria provided, single submitter. Criteria: Quest Diagnostics criteria. Collection method: clinical testing. Allele origin: unknown.
Comment: The RET c.1998G>C (p.Lys666Asn) variant has been reported in the published literature in individuals with MEN2A and/or pheochromocytoma (PMID: 28946813 (2017), 26269449 (2015)). A related variant that results in the same amino acid change, c.1998G>T (p.Lys666Asn), has been reported in multiple individuals and families with MTC/pheochromocytoma/MEN2A (PMID: 29684080 (2018), 28946813 (2017), 27673361 (2016), 20103606 (2010)). The authors suggested this variant displayed reduced penetrance and a dosage effect, where individuals who are homozygous for the variant are more severely affected than those who are heterozygous (PMID: 29408964 (2018)). Functional study of the c.1998G>T (p. Lys666Asn) variant indicated high kinase and transforming activity in vitro (PMID: 20103606 (2010)). Multiple other amino acid changes at the same position, p.Lys666, within the RET protein have also been reported in affected individuals and families (PMID: 25319874 (2014), 21678021 (2011), 21690267 (2011), 16954442 (2006), 15858153 (2005)). The frequency of this variant in the general population (Genome Aggregation Database) is consistent with pathogenicity. Based on the available information, this variant is classified as pathogenic, possibly with reduced penetrance.

Women's Health and Genetics/Laboratory Corporation of America, LabCorp
Classification: Pathogenic for MEN2 phenotype: Unclassified. Last evaluated: 2024-08-05. Review status: criteria provided, single submitter. Criteria: LabCorp Variant Classification Summary - May 2015. Collection method: clinical testing. Allele origin: germline.
Comment: Variant summary: RET c.1998G>C (p.Lys666Asn) results in a non-conservative amino acid change in the encoded protein sequence. Four of five in-silico tools predict a damaging effect of the variant on protein function. The variant was absent in 250810 control chromosomes (gnomAD). c.1998G>C has been reported in the literature in multiple individuals affected with Multiple Endocrine Neoplasia Type 2 (e.g. Boichard_2012, Curras_2015, Jaber_2018, Rosen_2022). These data indicate that the variant is very likely to be associated with disease. A different variant resulting in the same amino acid consequence has been classified as pathogenic by our lab (c.1998G>T), supporting the pathogenicity of this variant. The following publications have been ascertained in the context of this evaluation (PMID: 26269449, 29408964, 22865907, 35304457). ClinVar contains an entry for this variant (Variation ID: 230926). Based on the evidence outlined above, the variant was classified as pathogenic.

All of Us Research Program, National Institutes of Health
Classification: Likely pathogenic for Multiple endocrine neoplasia, type 2. Last evaluated: 2024-07-10. Review status: criteria provided, single submitter. Criteria: ACMG Guidelines, 2015. Collection method: clinical testing. Allele origin: germline. Inheritance: Autosomal dominant inheritance. Observed: 2 variant alleles, 2 heterozygotes.
Comment: This missense variant replaces lysine with asparagine at codon 666 of the RET protein. Computational predictions are inconclusive regarding the impact of this variant on protein structure and function and pre-mRNA splicing. A functional study has reported that this variant protein resulted in elevated kinase and cell transformation activities that were intermediate between the wild-type protein and the pathogenic control p.Cys634Arg (PMID: 20103606). The protein variant p.Lys666Asn, caused by c.1998G>C or c.1998G>T, has been reported in at least 13 unrelated individuals affected with medullary thyroid cancer (PMID: 20103606, 22865907, 27673361, 28946813, 29408964) and two individuals each affected with pheochromocytoma or C-cell hyperplasia (PMID: 26269449, 27673361, 29408964). This variant also has been reported in a homozygous carrier affected with medullary thyroid cancer and bilateral pheochromocytoma (PMID: 29408964) and an individual affected with clinical features of Cowden syndrome, including thyroid cancer, and also pheochromocytoma (PMID: 29684080). This variant is also has been described as incompletely penetrant, having been observed in over a dozen unaffected heterozygous carriers (PMID: 27673361, 29408964). Two different protein variants at codon 666, p.Lys666Glu and p.Lys666delinsAsnSer, have been reported in individuals affected with medullary thyroid cancer and are suspected to have more severe disease characteristics due a co-occurring polymorphism p.Gly691Ser (PMID: 15844786, 21690267), raising the possibility that substitutions at this codon may have variable penetrance or expressivity due to effects of genetic modifier. This variant has not been identified in the general population by the Genome Aggregation Database (gnomAD). Based on the available evidence, this variant is classified as Likely Pathogenic.

This study involves interpretation of variants in research participants for the purpose of population health screening. Participant phenotype was not available at the time of variant classification. Additional details can be found in publication PMID: 35346344, PMCID: PMC8962531

Color Diagnostics, LLC DBA Color Health
Classification: Likely pathogenic for Multiple endocrine neoplasia, type 2. Last evaluated: 2024-05-21. Review status: criteria provided, single submitter. Criteria: ACMG Guidelines, 2015. Collection method: clinical testing. Allele origin: germline.
Comment: This missense variant replaces lysine with asparagine at codon 666 of the RET protein. Computational predictions are inconclusive regarding the impact of this variant on protein structure and function and pre-mRNA splicing. A functional study has reported that this variant protein resulted in elevated kinase and cell transformation activities that were intermediate between the wild-type protein and the pathogenic control p.Cys634Arg (PMID: 20103606). The protein variant p.Lys666Asn, caused by c.1998G>C or c.1998G>T, has been reported in at least 13 unrelated individuals affected with medullary thyroid cancer (PMID: 20103606, 22865907, 27673361, 28946813, 29408964) and two individuals each affected with pheochromocytoma or C-cell hyperplasia (PMID: 26269449, 27673361, 29408964). This variant also has been reported in a homozygous carrier affected with medullary thyroid cancer and bilateral pheochromocytoma (PMID: 29408964) and an individual affected with clinical features of Cowden syndrome, including thyroid cancer, and also pheochromocytoma (PMID: 29684080). This variant is also has been described as incompletely penetrant, having been observed in over a dozen unaffected heterozygous carriers (PMID: 27673361, 29408964). Two different protein variants at codon 666, p.Lys666Glu and p.Lys666delinsAsnSer, have been reported in individuals affected with medullary thyroid cancer and are suspected to have more severe disease characteristics due a co-occurring polymorphism p.Gly691Ser (PMID: 15844786, 21690267), raising the possibility that substitutions at this codon may have variable penetrance or expressivity due to effects of genetic modifier. This variant has not been identified in the general population by the Genome Aggregation Database (gnomAD). Based on the available evidence, this variant is classified as Likely Pathogenic.

Fulgent Genetics
Classification: Likely pathogenic for Hirschsprung disease, susceptibility to, 1; Familial medullary thyroid carcinoma; Multiple endocrine neoplasia type 2B; Pheochromocytoma; Multiple endocrine neoplasia type 2A. Last evaluated: 2024-01-24. Review status: criteria provided, single submitter. Criteria: ACMG Guidelines, 2015. Collection method: clinical testing. Allele origin: germline.

Myriad Genetics, Inc.
Classification: Likely pathogenic for Multiple endocrine neoplasia type 2A. Last evaluated: 2024-01-05. Review status: criteria provided, single submitter. Criteria: Myriad Autosomal Dominant, Autosomal Recessive and X-Linked Classification Criteria (2023). Collection method: clinical testing. Allele origin: unknown.
Comment: This variant is considered likely pathogenic. Functional studies indicate this variant impacts protein function [PMID: 20103606]. This variant has been reported in multiple individuals with clinical features of gene-specific disease [PMID: 27673361, 29408964, 20103606].

Blueprint Genetics
Classification: Pathogenic for RET-related disorders. Last evaluated: 2023-10-04. Review status: criteria provided, single submitter. Criteria: ACMG Guidelines, 2015. Collection method: clinical testing. Allele origin: germline. Affected: yes. Observed: 1 variant allele.

Baylor Genetics
Classification: Pathogenic for Hirschsprung disease, susceptibility to, 1. Last evaluated: 2023-03-12. Review status: criteria provided, single submitter. Criteria: ACMG Guidelines, 2015. Collection method: clinical testing. Allele origin: unknown.

Institute of Human Genetics, Clinical Exome/Genome Diagnostics Group, University Hospital Bonn
Classification: Likely pathogenic for Multiple endocrine neoplasia type 2A; Multiple endocrine neoplasia type 2B; Familial medullary thyroid carcinoma; Pheochromocytoma. Last evaluated: 2022-11-10. Review status: criteria provided, single submitter. Criteria: ACMG Guidelines, 2015. Collection method: clinical testing. Allele origin: germline. Affected: yes.

Laboratorio de Genetica e Diagnostico Molecular, Hospital Israelita Albert Einstein
Classification: Pathogenic for Multiple endocrine neoplasia type 2A. Last evaluated: 2022-09-15. Review status: criteria provided, single submitter. Criteria: ACMG Guidelines, 2015. Collection method: clinical testing. Allele origin: germline. Affected: yes. Observed: 1 variant allele.
Comment: ACMG classification criteria: PS1 strong, PS4 moderated, PM1 moderated, PM2 moderated

Institute for Genomic Medicine (IGM) Clinical Laboratory, Nationwide Children's Hospital
Classification: Pathogenic for Hereditary cancer-predisposing syndrome. Last evaluated: 2022-05-31. Review status: criteria provided, single submitter. Criteria: ACMG Guidelines, 2015. Collection method: clinical testing. Allele origin: germline.
Comment: A different nucleotide change resulting in the same amino acid substitution has been reported as pathogenic (ACMG/AMP: PS1). Well-established functional studies have demonstrated this variant to have a damaging effect on protein function or splicing (ACMG/AMP: PS3_Moderate; PMID:20103606). This variant has been reported at an elevated frequency in affected individuals/in multiple affected individuals in the literature (ACMG/AMP: PS4_Moderate; PMIDs:27673361, 15858153). This variant is absent from or present at an exceedingly low frequency in gnomAD, a large-scale control population database (ACMG/AMP: PM2). A different substitution at this amino acid position has been reported as pathogenic (ACMG/AMP: PM5).